The following is an entry in ClinVar:

ClinVar aggregate classification (germline): Uncertain significance (1 of 4 stars; one submission).

Conditions:
Temtamy syndrome (TEMTYS). Also called: MENTAL RETARDATION WITH OR WITHOUT CRANIOFACIAL DYSMORPHISM, OCULAR COLOBOMA, OR ABNORMAL CORPUS CALLOSUM. Identifiers: Orphanet 1777, MedGen C1857512, MONDO:0009033, OMIM 218340.

Allele frequency attached by ClinVar (database versions not stated): TOPMed below 0.00001.

Submission:

Labcorp Genetics (formerly Invitae), Labcorp
Classification: Uncertain significance for Temtamy syndrome. Last evaluated: 2022-06-10. Review status: criteria provided, single submitter. Criteria: Invitae Variant Classification Sherloc (09022015). Collection method: clinical testing. Allele origin: germline.
Comment: This sequence change replaces proline, which is neutral and non-polar, with arginine, which is basic and polar, at codon 30 of the C12orf57 protein (p.Pro30Arg). This variant is present in population databases (rs782646361, gnomAD 0.003%). This variant has not been reported in the literature in individuals affected with C12orf57-related conditions. Algorithms developed to predict the effect of missense changes on protein structure and function (SIFT, PolyPhen-2, Align-GVGD) all suggest that this variant is likely to be disruptive. In summary, the available evidence is currently insufficient to determine the role of this variant in disease. Therefore, it has been classified as a Variant of Uncertain Significance.

NM_138425.4(C12orf57):c.89C>G (p.Pro30Arg)

Gene: C12orf57 (chromosome 12 open reading frame 57; plus strand). Cytogenetic location: 12p13.31.
Variant type: single nucleotide variant.
Coding change: c.89C>G on transcript NM_138425.4 (MANE Select); coding-DNA position 89, C replaced by G.
Protein change: p.Pro30Arg; replaces proline 30 with arginine.
Molecular consequence: missense variant. On other transcripts: 5 prime UTR variant (1), non-coding transcript variant (1).
Genome position (GRCh38, 1-based): chr12:6,944,512, C>G. VCF-style: chr12-6944512-C-G. GRCh37 (hg19) VCF-style: chr12-7053675-C-G.
Other names: c.89C>G, p.Pro30Arg (NM_001301834.1, NM_001301837.2); c.50C>G, p.Pro17Arg (NM_001301836.2); c.-17C>G (NM_001301838.2); short protein forms P17R, P30R.
Identifiers: ClinVar variation 1681827 (VCV001681827.3), dbSNP rs782646361, ClinGen allele CA232436942.